The following is an entry in ClinVar:

NM_001377229.1(DISP1):c.1843A>G (p.Thr615Ala)

Gene: DISP1 (dispatched RND transporter family member 1; plus strand). Cytogenetic location: 1q41.
Variant type: single nucleotide variant.
Coding change: c.1843A>G on transcript NM_001377229.1 (MANE Select); coding-DNA position 1843, A replaced by G.
Protein change: p.Thr615Ala; replaces threonine 615 with alanine.
Molecular consequence: missense variant.
Genome position (GRCh38, 1-based): chr1:223,003,240, A>G. VCF-style: chr1-223003240-A-G. GRCh37 (hg19) VCF-style: chr1-223176582-A-G.
Other names: c.1114A>G, p.Thr372Ala (NM_001350630.2); c.1843A>G, p.Thr615Ala (NM_001369594.1, NM_001377228.1, NM_032890.5); short protein forms T615A, T372A.
Identifiers: ClinVar variation 618060 (VCV000618060.8), dbSNP rs1231766318, ClinGen allele CA344680117.
Genomic context (GRCh38, chr1:223,003,240, plus strand): 5'-GAAACAGTAAGCATCACCTTGCAGCACGCTGCCCTCTCCATGTTCGTCACCAGTTTTACC[A>G]CTGCTGCTGCCTTTTATGCTAACTATGTTAGCAACATTACAGCAATCCGATGCTTTGGGG-3'
Protein context (NP_001364158.1, residues 605-625): ALSMFVTSFT[Thr615Ala]AAAFYANYVS

ClinVar aggregate classification (germline): Uncertain significance (1 of 4 stars; one submission).

Allele frequency attached by ClinVar (database versions not stated): gnomAD exomes below 0.00001; TOPMed below 0.00001; gnomAD 0.00001.
gnomAD v4.1: 2 of 1,614,040 alleles (0.00012%); highest among the groups gnomAD compares: Admixed American, 0.0033%; no homozygotes.

Submission:

ARUP Laboratories, Molecular Genetics and Genomics, ARUP Laboratories
Classification: Uncertain significance. Last evaluated: 2018-01-25. Review status: criteria provided, single submitter. Criteria: ARUP Molecular Germline Variant Investigation Process. Collection method: clinical testing. Allele origin: germline.
Comment: The p.Thr615Ala variant has not been reported in the medical literature, gene specific variation databases, nor has it been previously identified by our laboratory. This variant is listed in the Genome Aggregation Database (gnomAD) identified on a single chromosome out of 246,176. The threonine at position 615 is highly conserved up to fruitfly considering 12 species (Alamut v2.10) and computational analyses of the p.Thr615Ala variant on protein structure and function indicate a deleterious effect (SIFT: damaging, MutationTaster: disease causing, PolyPhen-2: probably damaging). Altogether, there is not enough evidence to classify the p.Thr615Ala variant with certainty.